The following is an entry in ClinVar:

ClinVar aggregate classification (germline): Uncertain significance (1 of 4 stars; one submission).

Conditions:
Atrioventricular septal defect 5 (AVSD5). Identifiers: MedGen C3280939, MONDO:0013769, OMIM 614474.

Submission:

Labcorp Genetics (formerly Invitae), Labcorp
Classification: Uncertain significance for Atrioventricular septal defect 5. Last evaluated: 2023-04-28. Review status: criteria provided, single submitter. Criteria: Invitae Variant Classification Sherloc (09022015). Collection method: clinical testing. Allele origin: germline.
Comment: Experimental studies and prediction algorithms are not available or were not evaluated, and the functional significance of this variant is currently unknown. This variant has not been reported in the literature in individuals affected with GATA6-related conditions. This variant is not present in population databases (gnomAD no frequency). This variant, c.889_891dup, results in the insertion of 1 amino acid(s) of the GATA6 protein (p.Gly297dup), but otherwise preserves the integrity of the reading frame. In summary, the available evidence is currently insufficient to determine the role of this variant in disease. Therefore, it has been classified as a Variant of Uncertain Significance.

NM_005257.6(GATA6):c.883GGC[4] (p.Gly297dup)

Gene: GATA6 (GATA binding protein 6; plus strand). Cytogenetic location: 18q11.2.
Variant type: Microsatellite.
Coding change: c.883GGC[4] on transcript NM_005257.6 (MANE Select); four copies in a row of the 3-base unit GGC starting at c.883; the reference has three copies in a row; one copy, 3 bases duplicated.
Protein change: p.Gly297dup; duplicates glycine 297.
Molecular consequence: inframe insertion.
Genome position (GRCh38, 1-based): chr18:22,172,033-22,172,035, GGC duplicated; duplicating any 3 consecutive bases within chr18:22,172,025-22,172,035 gives the same sequence; the position shown is the placement nearest the transcript's 3' end. VCF-style (leftmost placement, unchanged base first): chr18-22172024-A-AGCG. GRCh37 (hg19) VCF-style: chr18-19751985-A-AGCG.
Identifiers: ClinVar variation 1474279 (VCV001474279.6), dbSNP rs1188366255, ClinGen allele CA777599247.